The following is an entry in ClinVar:

ClinVar aggregate classification (germline): Uncertain significance (1 of 4 stars; one submission).

Conditions:
Fanconi anemia (FA). Also called: Fanconi's anemia. Identifiers: Orphanet 84, MedGen C0015625, MeSH D005199, MONDO:0019391.

Submission:

Labcorp Genetics (formerly Invitae), Labcorp
Classification: Uncertain significance for Fanconi anemia. Last evaluated: 2024-01-11. Review status: criteria provided, single submitter. Criteria: Invitae Variant Classification Sherloc (09022015). Collection method: clinical testing. Allele origin: germline.
Comment: This sequence change replaces alanine, which is neutral and non-polar, with threonine, which is neutral and polar, at codon 257 of the FANCF protein (p.Ala257Thr). This variant is not present in population databases (gnomAD no frequency). This variant has not been reported in the literature in individuals affected with FANCF-related conditions. Advanced modeling of protein sequence and biophysical properties (such as structural, functional, and spatial information, amino acid conservation, physicochemical variation, residue mobility, and thermodynamic stability) has been performed at Invitae for this missense variant, however the output from this modeling did not meet the statistical confidence thresholds required to predict the impact of this variant on FANCF protein function. In summary, the available evidence is currently insufficient to determine the role of this variant in disease. Therefore, it has been classified as a Variant of Uncertain Significance.

NM_022725.4(FANCF):c.769G>A (p.Ala257Thr)

Gene: FANCF (FA complementation group F; minus strand). Cytogenetic location: 11p14.3.
Variant type: single nucleotide variant.
Coding change: c.769G>A on transcript NM_022725.4 (MANE Select); coding-DNA position 769, G replaced by A.
Protein change: p.Ala257Thr; replaces alanine 257 with threonine.
Molecular consequence: missense variant.
Genome position (GRCh38, 1-based): chr11:22,625,042, C>T on the plus strand (G>A on the coding strand, the complement: FANCF is on the minus strand). VCF-style: chr11-22625042-C-T. GRCh37 (hg19) VCF-style: chr11-22646588-C-T.
Other names: short protein forms A257T.
Identifiers: ClinVar variation 2708853 (VCV002708853.3), dbSNP rs1321912085, ClinGen allele CA380058363.